The following is an entry in ClinVar:

ClinVar aggregate classification (germline): Uncertain significance (1 of 4 stars; one submission).

Conditions:
Spastic paraplegia. Identifiers: MedGen C0037772, HP:0001258.

Submission:

Labcorp Genetics (formerly Invitae), Labcorp
Classification: Uncertain significance for Spastic paraplegia. Last evaluated: 2022-05-04. Review status: criteria provided, single submitter. Criteria: Invitae Variant Classification Sherloc (09022015). Collection method: clinical testing. Allele origin: germline.
Comment: This sequence change replaces histidine, which is basic and polar, with proline, which is neutral and non-polar, at codon 121 of the ERLIN2 protein (p.His121Pro). This variant is not present in population databases (gnomAD no frequency). This variant has not been reported in the literature in individuals affected with ERLIN2-related conditions. Algorithms developed to predict the effect of missense changes on protein structure and function are either unavailable or do not agree on the potential impact of this missense change (SIFT: "Deleterious"; PolyPhen-2: "Benign"; Align-GVGD: "Class C65"). In summary, the available evidence is currently insufficient to determine the role of this variant in disease. Therefore, it has been classified as a Variant of Uncertain Significance.

NM_007175.8(ERLIN2):c.362A>C (p.His121Pro)

Gene: ERLIN2 (ER lipid raft associated 2; plus strand). Cytogenetic location: 8p11.23.
Variant type: single nucleotide variant.
Coding change: c.362A>C on transcript NM_007175.8 (MANE Select); coding-DNA position 362, A replaced by C.
Protein change: p.His121Pro; replaces histidine 121 with proline.
Molecular consequence: missense variant.
Genome position (GRCh38, 1-based): chr8:37,744,634, A>C. VCF-style: chr8-37744634-A-C. GRCh37 (hg19) VCF-style: chr8-37602152-A-C.
Other names: c.362A>C, p.His121Pro (NM_001003790.4, NM_001003791.3, NM_001362878.2 and 1 more transcripts); short protein forms H121P.
Identifiers: ClinVar variation 2133940 (VCV002133940.4), dbSNP rs2487305490, ClinGen allele CA370652526.